The following is an entry in ClinVar:

ClinVar aggregate classification (germline): Likely benign (1 of 4 stars; one submission).

Conditions:
Colorectal cancer, susceptibility to, 1. Also called: COLORECTAL ADENOMA AND CANCER, SUSCEPTIBILITY TO; COLORECTAL CANCER, SUSCEPTIBILITY TO, ON CHROMOSOME 9. Identifiers: MedGen C1837315, MONDO:0012132, OMIM 608812.

Submission:

Myriad Genetics, Inc.
Classification: Likely benign for Colorectal cancer, susceptibility to, 1. Last evaluated: 2026-04-22. Review status: criteria provided, single submitter. Criteria: Myriad Autosomal Dominant, Autosomal Recessive and X-Linked Classification Criteria (2023). Collection method: clinical testing. Allele origin: unknown.
Comment: This variant is considered likely benign. This variant is intronic and is not expected to impact mRNA splicing.

NM_024642.5(GALNT12):c.1458+7A>C

Gene: GALNT12 (polypeptide N-acetylgalactosaminyltransferase 12; plus strand). Cytogenetic location: 9q22.33.
Variant type: single nucleotide variant.
Coding change: c.1458+7A>C on transcript NM_024642.5 (MANE Select); 7 bases into the intron after coding-DNA position 1458, A replaced by C.
Molecular consequence: intron variant.
Genome position (GRCh38, 1-based): chr9:98,844,216, A>C. VCF-style: chr9-98844216-A-C. GRCh37 (hg19) VCF-style: chr9-101606498-A-C.
Identifiers: ClinVar variation 4876194 (VCV004876194.1).